The following is an entry in ClinVar:

NM_001365276.2(TNXB):c.8709G>C (p.Glu2903Asp)

Gene: TNXB (tenascin XB; minus strand). Cytogenetic location: 6p21.33.
Variant type: single nucleotide variant.
Coding change: c.8709G>C on transcript NM_001365276.2 (MANE Select); coding-DNA position 8709, G replaced by C.
Protein change: p.Glu2903Asp; replaces glutamic acid 2903 with aspartic acid.
Molecular consequence: missense variant.
Genome position (GRCh38, 1-based): chr6:32,053,470, C>G on the plus strand (G>C on the coding strand, the complement: TNXB is on the minus strand). VCF-style: chr6-32053470-C-G. GRCh37 (hg19) VCF-style: chr6-32021247-C-G.
Other names: c.9450G>C, p.Glu3150Asp (NM_001428335.1); c.8703G>C, p.Glu2901Asp (NM_019105.8); short protein forms E2901D, E2903D, E3150D.
Identifiers: ClinVar variation 3227342 (VCV003227342.2), dbSNP rs1342757861, ClinGen allele CA363546439.

ClinVar aggregate classification (germline): Uncertain significance. Review status: criteria provided, multiple submitters, no conflicts (2 of 4 stars). 2 submissions from 2 submitters: Uncertain significance (2). Last evaluated 2025-10-01.

Conditions:
TNXB-related disorder. Also called: TNXB-related condition.
Cardiovascular phenotype. Identifiers: MedGen CN230736.

Submissions (2):

PreventionGenetics, part of Exact Sciences
Classification: Uncertain significance for TNXB-related condition. Last evaluated: 2025-10-01. Review status: criteria provided, single submitter. Criteria: ACMG Guidelines, 2015. Collection method: clinical testing. Allele origin: germline.
Comment: The TNXB c.8703G>C variant is predicted to result in the amino acid substitution p.Glu2901Asp. To our knowledge, this variant has not been reported in the literature or in a large population database (gnomAD), indicating this variant is rare. At this time, the clinical significance of this variant is uncertain due to the absence of conclusive functional and genetic evidence.

Ambry Genetics
Classification: Uncertain significance for Cardiovascular phenotype. Last evaluated: 2023-12-07. Review status: criteria provided, single submitter. Criteria: Ambry Variant Classification Scheme 2023. Collection method: clinical testing. Allele origin: germline.
Comment: The p.E2901D variant (also known as c.8703G>C), located in coding exon 24 of the TNXB gene, results from a G to C substitution at nucleotide position 8703. The glutamic acid at codon 2901 is replaced by aspartic acid, an amino acid with highly similar properties. This amino acid position is conserved. In addition, this alteration is predicted to be tolerated by in silico analysis. Since supporting evidence is limited at this time, the clinical significance of this alteration remains unclear.